The following is an entry in ClinVar:

NM_001040108.2(MLH3):c.3455G>A (p.Arg1152His)

Gene: MLH3 (mutL homolog 3; minus strand). Cytogenetic location: 14q24.3.
Variant type: single nucleotide variant.
Coding change: c.3455G>A on transcript NM_001040108.2 (MANE Select); coding-DNA position 3455, G replaced by A.
Protein change: p.Arg1152His; replaces arginine 1152 with histidine.
Molecular consequence: missense variant.
Genome position (GRCh38, 1-based): chr14:75,041,625, C>T on the plus strand (G>A on the coding strand, the complement: MLH3 is on the minus strand). VCF-style: chr14-75041625-C-T. GRCh37 (hg19) VCF-style: chr14-75508328-C-T.
Other names: c.3455G>A, p.Arg1152His (NM_014381.3); short protein forms R1152H.
Identifiers: ClinVar variation 544272 (VCV000544272.26), dbSNP rs374041909, ClinGen allele CA7275495.
Genomic context (GRCh38, chr14:75,041,625, plus strand): 5'-GAAGAAGAAGAAGAAAAAAAAAAGGCAAAGAAAAACTGCTACAGACCCACCTCTGGATAA[C>T]GGGCAAATACTGGATTGTCCCATTCTGAGAACAAAGACTGAAGCGATTCGCTACTAACAG-3'
Protein context (NP_001035197.1, residues 1142-1162): FSEWDNPVFA[Arg1152His]YPEVAVDVSS

ClinVar aggregate classification (germline): Uncertain significance. Review status: criteria provided, multiple submitters, no conflicts (2 of 4 stars). 6 submissions from 6 submitters: Uncertain significance (6). Last evaluated 2026-07-13.

Conditions:
Colorectal cancer. Also called: Malignant Colorectal Neoplasm; Colorectal cancer, somatic. Identifiers: MedGen C0346629, MONDO:0005575, OMIM 114500.
Endometrial carcinoma. Also called: Endometrial carcinoma, somatic. Identifiers: MedGen C0476089, MONDO:0002447, OMIM 608089, HP:0012114.
Colorectal cancer, hereditary nonpolyposis, type 7. Identifiers: Orphanet 144, MedGen C1858380, MONDO:0013725, OMIM 614385.
MLH3-related disorder. Also called: MLH3-related condition.

Allele frequency attached by ClinVar (database versions not stated): gnomAD 0.00005 and 0.00006; gnomAD exomes 0.00006 and 0.00014; ExAC 0.00007; TOPMed 0.00008; ESP Exome Variant Server 0.00015.
gnomAD v4.1: 206 of 1,612,008 alleles (0.013%); highest among the groups gnomAD compares: Non-Finnish European, 0.016%; no homozygotes.

Submissions (6):

PreventionGenetics, part of Exact Sciences
Classification: Uncertain significance for MLH3-related condition. Last evaluated: 2026-07-13. Review status: criteria provided, single submitter. Criteria: ACMG Guidelines, 2015. Collection method: clinical testing. Allele origin: germline.
Comment: The MLH3 c.3455G>A variant is predicted to result in the amino acid substitution p.Arg1152His. This variant has been reported in an individual with malignant mesothelioma (Cheung et al. 2021. PubMed ID: 34008015). This variant is reported in 0.012% of alleles in individuals of African descent in gnomAD and is interpreted as a variant of uncertain significance in ClinVar (Variation ID: 544272). At this time, the clinical significance of this variant is uncertain due to the absence of conclusive functional and genetic evidence.

Labcorp Genetics (formerly Invitae), Labcorp
Classification: Uncertain significance for Colorectal cancer, hereditary nonpolyposis, type 7. Last evaluated: 2026-01-04. Review status: criteria provided, single submitter. Criteria: Invitae Variant Classification Sherloc (09022015). Collection method: clinical testing. Allele origin: germline.
Comment: This sequence change replaces arginine, which is basic and polar, with histidine, which is basic and polar, at codon 1152 of the MLH3 protein (p.Arg1152His). This variant is present in population databases (rs374041909, gnomAD 0.009%). This variant has not been reported in the literature in individuals affected with MLH3-related conditions. ClinVar contains an entry for this variant (Variation ID: 544272). An algorithm developed to predict the effect of missense changes on protein structure and function (PolyPhen-2) suggests that this variant is likely to be tolerated. In summary, the available evidence is currently insufficient to determine the role of this variant in disease. Therefore, it has been classified as a Variant of Uncertain Significance.

Ambry Genetics
Classification: Uncertain significance. Last evaluated: 2025-06-24. Review status: criteria provided, single submitter. Criteria: Ambry Variant Classification Scheme 2023. Collection method: clinical testing. Allele origin: germline.

Center for Genomic Medicine, Rigshospitalet, Copenhagen University Hospital
Classification: Uncertain significance. Last evaluated: 2025-03-04. Review status: criteria provided, single submitter. Criteria: ACMG Guidelines, 2015. Collection method: clinical testing. Allele origin: germline.

Fulgent Genetics
Classification: Uncertain significance for Colorectal cancer; Endometrial carcinoma; Colorectal cancer, hereditary nonpolyposis, type 7. Last evaluated: 2024-05-13. Review status: criteria provided, single submitter. Criteria: ACMG Guidelines, 2015. Collection method: clinical testing. Allele origin: germline.

Institute for Clinical Genetics, University Hospital TU Dresden, University Hospital TU Dresden
Classification: Uncertain significance. Last evaluated: 2021-11-03. Review status: criteria provided, single submitter. Criteria: ACMG Guidelines, 2015. Collection method: clinical testing. Allele origin: germline.